The following is an entry in ClinVar:

ClinVar aggregate classification (germline): Uncertain significance. Review status: criteria provided, multiple submitters, no conflicts (2 of 4 stars). 3 submissions from 3 submitters: Uncertain significance (3). Last evaluated 2025-08-21.

Conditions:
Generalized epilepsy-paroxysmal dyskinesia syndrome (PNKD3). Also called: Generalized epilepsy and paroxysmal dyskinesia; Paroxysmal nonkinesigenic dyskinesia, 3, with or without generalized epilepsy. Identifiers: Orphanet 79137, MedGen C5574945, MONDO:0012276, OMIM 609446.
Inborn genetic diseases. Identifiers: MedGen C0950123, MeSH D030342.

Allele frequency attached by ClinVar (database versions not stated): gnomAD 0.00002; gnomAD exomes 0.00002; TOPMed 0.00002; ExAC 0.00003.
gnomAD v4.1: 33 of 1,613,964 alleles (0.002%); highest among the groups gnomAD compares: African/African-American, 0.0027%; no homozygotes.

Submissions (3):

Ambry Genetics
Classification: Uncertain significance for Inborn genetic diseases. Last evaluated: 2025-08-21. Review status: criteria provided, single submitter. Criteria: Ambry Variant Classification Scheme 2023. Collection method: clinical testing. Allele origin: germline.

Labcorp Genetics (formerly Invitae), Labcorp
Classification: Uncertain significance for Generalized epilepsy-paroxysmal dyskinesia syndrome. Last evaluated: 2023-08-24. Review status: criteria provided, single submitter. Criteria: Invitae Variant Classification Sherloc (09022015). Collection method: clinical testing. Allele origin: germline.
Comment: In summary, the available evidence is currently insufficient to determine the role of this variant in disease. Therefore, it has been classified as a Variant of Uncertain Significance. An algorithm developed to predict the effect of missense changes on protein structure and function (PolyPhen-2) suggests that this variant is likely to be disruptive. ClinVar contains an entry for this variant (Variation ID: 971401). This variant has not been reported in the literature in individuals affected with KCNMA1-related conditions. This variant is present in population databases (rs200410171, gnomAD 0.008%). This sequence change replaces arginine, which is basic and polar, with glutamine, which is neutral and polar, at codon 1167 of the KCNMA1 protein (p.Arg1167Gln).

Revvity Omics, Revvity
Classification: Uncertain significance. Last evaluated: 2021-11-16. Review status: criteria provided, single submitter. Criteria: ACMG Guidelines, 2015. Collection method: clinical testing. Allele origin: germline.

NM_001161352.2(KCNMA1):c.3674G>A (p.Arg1225Gln)

Gene: KCNMA1 (potassium calcium-activated channel subfamily M alpha 1; minus strand). Cytogenetic location: 10q22.3.
Variant type: single nucleotide variant.
Coding change: c.3674G>A on transcript NM_001161352.2 (MANE Select); coding-DNA position 3674, G replaced by A.
Protein change: p.Arg1225Gln; replaces arginine 1225 with glutamine.
Molecular consequence: missense variant.
Genome position (GRCh38, 1-based): chr10:76,887,303, C>T on the plus strand (G>A on the coding strand, the complement: KCNMA1 is on the minus strand). VCF-style: chr10-76887303-C-T. GRCh37 (hg19) VCF-style: chr10-78647061-C-T.
Other names: c.3512G>A, p.Arg1171Gln (NM_001014797.3); c.3623G>A, p.Arg1208Gln (NM_001161353.2); c.3350G>A, p.Arg1117Gln (NM_001271518.2); c.3590G>A, p.Arg1197Gln (NM_001271519.2); c.3509G>A, p.Arg1170Gln (NM_001322829.2, NM_001322836.2); c.3602G>A, p.Arg1201Gln (NM_001322830.2); c.3500G>A, p.Arg1167Gln (NM_001322832.2, NM_002247.4); c.3593G>A, p.Arg1198Gln (NM_001322835.2, NM_001322837.2); and 1 more; short protein forms R1170Q, R1198Q, R1016Q, R1117Q, R1197Q, R1201Q, R1225Q, R1167Q.
Identifiers: ClinVar variation 971401 (VCV000971401.12), dbSNP rs200410171, ClinGen allele CA5567792.